The following is an entry in ClinVar:

ClinVar aggregate classification (germline): Uncertain significance (1 of 4 stars; one submission).

Conditions:
TNF receptor-associated periodic fever syndrome (TRAPS) (FPF). Also called: TNF receptor 1-associated periodic fever syndrome; FAMILIAL HIBERNIAN FEVER; TNF RECEPTOR-ASSOCIATED PERIODIC SYNDROME; TUMOR NECROSIS FACTOR RECEPTOR-ASSOCIATED PERIODIC SYNDROME; Autosomal Dominant Familial Periodic Fever; TNF Receptor-Associated Periodic Fever Syndrome. Identifiers: Orphanet 32960, MedGen C1275126, MONDO:0007727, OMIM 142680.

Allele frequency attached by ClinVar (database versions not stated): gnomAD exomes below 0.00001.
gnomAD v4.1: 1 of 1,613,396 alleles (0.000062%); no homozygotes.

Submission:

Labcorp Genetics (formerly Invitae), Labcorp
Classification: Uncertain significance for TNF receptor-associated periodic fever syndrome (TRAPS). Last evaluated: 2023-05-22. Review status: criteria provided, single submitter. Criteria: Invitae Variant Classification Sherloc (09022015). Collection method: clinical testing. Allele origin: germline.
Comment: Variants that disrupt the consensus splice site are a relatively common cause of aberrant splicing (PMID: 17576681, 9536098). Algorithms developed to predict the effect of sequence changes on RNA splicing suggest that this variant may disrupt the consensus splice site. In summary, the available evidence is currently insufficient to determine the role of this variant in disease. Therefore, it has been classified as a Variant of Uncertain Significance. This variant is not present in population databases (gnomAD no frequency). This variant has not been reported in the literature in individuals affected with TNFRSF1A-related conditions. ClinVar contains an entry for this variant (Variation ID: 1980463). This sequence change falls in intron 5 of the TNFRSF1A gene. It does not directly change the encoded amino acid sequence of the TNFRSF1A protein. It affects a nucleotide within the consensus splice site.

Literature cited by the submitters: PubMed 17576681; PubMed 9536098.

NM_001065.4(TNFRSF1A):c.551+6T>C

Gene: TNFRSF1A (TNF receptor superfamily member 1A; minus strand). Cytogenetic location: 12p13.31.
Variant type: single nucleotide variant.
Coding change: c.551+6T>C on transcript NM_001065.4 (MANE Select); 6 bases into the intron after coding-DNA position 551, T replaced by C.
Molecular consequence: intron variant.
Genome position (GRCh38, 1-based): chr12:6,333,063, A>G on the plus strand (T>C on the coding strand, the complement: TNFRSF1A is on the minus strand). VCF-style: chr12-6333063-A-G. GRCh37 (hg19) VCF-style: chr12-6442229-A-G.
Other names: c.227+6T>C (NM_001346091.2); c.-27+6T>C (NM_001346092.2).
Identifiers: ClinVar variation 1980463 (VCV001980463.4), dbSNP rs2497797890, ClinGen allele CA2575003706.